The following is an entry in ClinVar:

NM_000051.4(ATM):c.3254T>G (p.Val1085Gly)

Gene: ATM (ATM serine/threonine kinase; plus strand). Cytogenetic location: 11q22.3.
Variant type: single nucleotide variant.
Coding change: c.3254T>G on transcript NM_000051.4 (MANE Select); coding-DNA position 3254, T replaced by G.
Protein change: p.Val1085Gly; replaces valine 1085 with glycine.
Molecular consequence: missense variant.
Genome position (GRCh38, 1-based): chr11:108,272,822, T>G. VCF-style: chr11-108272822-T-G. GRCh37 (hg19) VCF-style: chr11-108143549-T-G.
Other names: c.3254T>G, p.Val1085Gly (NM_001351834.2); short protein forms V1085G.
Identifiers: ClinVar variation 4854878 (VCV004854878.2).

ClinVar aggregate classification (germline): Uncertain significance. Review status: criteria provided, multiple submitters, no conflicts (2 of 4 stars). 2 submissions from 2 submitters: Uncertain significance (2). Last evaluated 2026-08-18.

Conditions:
Hereditary cancer-predisposing syndrome. Also called: Neoplastic Syndromes, Hereditary; Tumor predisposition; Hereditary Cancer Syndrome; Hereditary neoplastic syndrome. Identifiers: Orphanet 140162, MedGen C0027672, MeSH D009386, MONDO:0015356.
ATM-related disorder. Also called: ATM-related disorders; ATM-related condition.

Submissions (2):

Ambry Genetics
Classification: Uncertain significance for Hereditary cancer-predisposing syndrome. Last evaluated: 2026-08-18. Review status: criteria provided, single submitter. Criteria: Ambry Variant Classification Scheme 2023. Collection method: clinical testing. Allele origin: germline.
Comment: The p.V1085G variant (also known as c.3254T>G), located in coding exon 21 of the ATM gene, results from a T to G substitution at nucleotide position 3254. The valine at codon 1085 is replaced by glycine, an amino acid with dissimilar properties. In an assay testing ATM function, this variant showed a functionally abnormal result (Lee KS et al. Cell, 2025 Sep;188:5081-5099.e27). This amino acid position is highly conserved in available vertebrate species. In addition, this alteration is predicted to be deleterious by in silico analysis. Based on the available evidence, the clinical significance of this variant remains unclear.

3billion
Classification: Uncertain significance for ATM-related disorder. Last evaluated: 2025-05-27. Review status: criteria provided, single submitter. Criteria: ACMG Guidelines, 2015. Collection method: clinical testing. Allele origin: germline. Affected: yes.
Comment: The variant is not observed in the gnomAD v4.1.0 dataset. Predicted Consequence/Location: Missense variant In silico tool predictions suggest damaging effect of the variant on gene or gene product [REVEL: 0.86 (>=0.6, sensitivity 0.68 and specificity 0.92)]. Different missense changes at the same codon have been reported as of uncertain significance (ClinVar ID: VCV000453455, VCV000839199). Therefore, this variant is classified as VUS according to the recommendation of ACMG/AMP guideline.

Literature cited by the submitters: PubMed 40580951 (cited by Ambry Genetics).